The following is an entry in ClinVar:

NM_002047.4(GARS1):c.344A>G (p.Lys115Arg)

Gene: GARS1 (glycyl-tRNA synthetase 1; plus strand). Cytogenetic location: 7p14.3.
Variant type: single nucleotide variant.
Coding change: c.344A>G on transcript NM_002047.4 (MANE Select); coding-DNA position 344, A replaced by G.
Protein change: p.Lys115Arg; replaces lysine 115 with arginine.
Molecular consequence: missense variant.
Genome position (GRCh38, 1-based): chr7:30,599,966, A>G. VCF-style: chr7-30599966-A-G. GRCh37 (hg19) VCF-style: chr7-30639582-A-G.
Other names: c.344A>G (LRG_243t1); c.182A>G, p.Lys61Arg (NM_001316772.1); short protein forms K115R, K61R.
Identifiers: ClinVar variation 476756 (VCV000476756.8), dbSNP rs1554336991, ClinGen allele CA367139111.
Genomic context (GRCh38, chr7:30,599,966, plus strand): 5'-CCACCCCTCCACTCACTCACTTTTTATTTAATCTCTAACAGGAGCTGGCGTTACAGCCCA[A>G]AGATGATATTGTAGACCGAGCAAAAATGGAAGATACCCTGAAGAGGAGGTTTTTCTATGA-3'
Protein context (NP_002038.2, residues 105-125): LEAKELALQP[Lys115Arg]DDIVDRAKME

ClinVar aggregate classification (germline): Uncertain significance (1 of 4 stars; one submission).

Conditions:
Charcot-Marie-Tooth disease type 2. Also called: Charcot-Marie-Tooth type 2. Identifiers: Orphanet 64746, MedGen C0270914, MONDO:0018993.

Allele frequency attached by ClinVar (database versions not stated): gnomAD exomes below 0.00001.
gnomAD v4.1: 1 of 1,613,886 alleles (0.000062%); highest among the groups gnomAD compares: African/African-American, 0.0013%; no homozygotes.

Submission:

Labcorp Genetics (formerly Invitae), Labcorp
Classification: Uncertain significance for Charcot-Marie-Tooth disease type 2. Last evaluated: 2024-03-20. Review status: criteria provided, single submitter. Criteria: Invitae Variant Classification Sherloc (09022015). Collection method: clinical testing. Allele origin: germline.
Comment: This sequence change replaces lysine, which is basic and polar, with arginine, which is basic and polar, at codon 115 of the GARS protein (p.Lys115Arg). This variant is not present in population databases (gnomAD no frequency). This variant has not been reported in the literature in individuals affected with GARS-related conditions. ClinVar contains an entry for this variant (Variation ID: 476756). Advanced modeling of protein sequence and biophysical properties (such as structural, functional, and spatial information, amino acid conservation, physicochemical variation, residue mobility, and thermodynamic stability) performed at Invitae indicates that this missense variant is not expected to disrupt GARS protein function with a negative predictive value of 80%. In summary, the available evidence is currently insufficient to determine the role of this variant in disease. Therefore, it has been classified as a Variant of Uncertain Significance.